The following is an entry in ClinVar:

NM_001323.4(CST6):c.8G>T (p.Arg3Leu)

Gene: CST6 (cystatin E/M; plus strand). Cytogenetic location: 11q13.1.
Variant type: single nucleotide variant.
Coding change: c.8G>T on transcript NM_001323.4 (MANE Select); coding-DNA position 8, G replaced by T.
Protein change: p.Arg3Leu; replaces arginine 3 with leucine.
Molecular consequence: missense variant.
Genome position (GRCh38, 1-based): chr11:66,012,052, G>T. VCF-style: chr11-66012052-G-T. GRCh37 (hg19) VCF-style: chr11-65779523-G-T.
Other names: short protein forms R3L.
Identifiers: ClinVar variation 3040253 (VCV003040253.3), dbSNP rs200759724, ClinGen allele CA6114158.

ClinVar aggregate classification (germline): Likely benign. Review status: criteria provided, single submitter (1 of 4 stars). 2 submissions from 2 submitters: Likely benign (1). 1 of the submissions does not count toward it. Last evaluated 2024-11-07.

Conditions:
CST6-related disorder. Also called: CST6-related condition.

Allele frequency attached by ClinVar (database versions not stated): ExAC 0.00276; 1000 Genomes Project 30x 0.00406; 1000 Genomes Project 0.00419.
gnomAD v4.1: 907 of 1,558,288 alleles (0.058%); highest among the groups gnomAD compares: East Asian, 1.8%; 8 homozygotes.

Submissions (2):

Blueprint Genetics
Classification: Likely benign. Last evaluated: 2024-11-07. Review status: criteria provided, single submitter. Criteria: ACMG Guidelines, 2015. Collection method: clinical testing. Allele origin: germline.

PreventionGenetics, part of Exact Sciences
Classification: Benign for CST6-related condition. Last evaluated: 2019-12-09. Review status: no assertion criteria provided. Collection method: clinical testing. Allele origin: germline. Not counted in ClinVar's aggregate classification.
Comment: This variant is classified as benign based on ACMG/AMP sequence variant interpretation guidelines (Richards et al. 2015 PMID: 25741868, with internal and published modifications).